The following is an entry in ClinVar:

ClinVar aggregate classification (germline): Uncertain significance (1 of 4 stars; one submission).

Submission:

Labcorp Genetics (formerly Invitae), Labcorp
Classification: Uncertain significance. Last evaluated: 2023-07-17. Review status: criteria provided, single submitter. Criteria: Invitae Variant Classification Sherloc (09022015). Collection method: clinical testing. Allele origin: germline.
Comment: In summary, the available evidence is currently insufficient to determine the role of this variant in disease. Therefore, it has been classified as a Variant of Uncertain Significance. Advanced modeling of protein sequence and biophysical properties (such as structural, functional, and spatial information, amino acid conservation, physicochemical variation, residue mobility, and thermodynamic stability) performed at Invitae indicates that this missense variant is expected to disrupt FZD5 protein function. This variant has not been reported in the literature in individuals affected with FZD5-related conditions. This variant is not present in population databases (gnomAD no frequency). This sequence change replaces glycine, which is neutral and non-polar, with aspartic acid, which is acidic and polar, at codon 514 of the FZD5 protein (p.Gly514Asp).

NM_003468.4(FZD5):c.1541G>A (p.Gly514Asp)

Gene: FZD5 (frizzled class receptor 5; minus strand). Cytogenetic location: 2q33.3.
Variant type: single nucleotide variant.
Coding change: c.1541G>A on transcript NM_003468.4 (MANE Select); coding-DNA position 1541, G replaced by A.
Protein change: p.Gly514Asp; replaces glycine 514 with aspartic acid.
Molecular consequence: missense variant.
Genome position (GRCh38, 1-based): chr2:207,767,199, C>T on the plus strand (G>A on the coding strand, the complement: FZD5 is on the minus strand). VCF-style: chr2-207767199-C-T. GRCh37 (hg19) VCF-style: chr2-208631923-C-T.
Other names: short protein forms G514D.
Identifiers: ClinVar variation 2744309 (VCV002744309.3), dbSNP rs2470337596, ClinGen allele CA350084157.